The following is an entry in ClinVar:

ClinVar aggregate classification (germline): Conflicting classifications of pathogenicity. Review status: criteria provided, conflicting classifications (1 of 4 stars). 2 submissions from 2 submitters: Likely pathogenic (1); Uncertain significance (1). Last evaluated 2021-08-24.

Conditions:
Lysosomal acid lipase deficiency. Also called: Acid cholesteryl ester hydrolase deficiency, type 2. Identifiers: Orphanet 275761, MedGen C5574740, MONDO:0800449, MONDO:0010204.
Wolman disease (WOLD). Also called: Acid cholesteryl ester hydrolase deficiency, Wolman type; Acid lipase disease; Wolman disease, CESD; LYSOSOMAL ACID LIPASE DEFICIENCY, ACUTE INFANTILE; LYSOSOMAL ACID LIPASE DEFICIENCY, COMPLETE; LIPA DEFICIENCY, COMPLETE. Identifiers: Orphanet 75233, MedGen C0043208, MONDO:0019148, OMIM 620151.

Allele frequency attached by ClinVar (database versions not stated): gnomAD exomes below 0.00001.
gnomAD v4.1: 1 of 1,614,228 alleles (0.000062%); highest among the groups gnomAD compares: Non-Finnish European, 0.000085%; no homozygotes.

Submissions (2):

Labcorp Genetics (formerly Invitae), Labcorp
Classification: Uncertain significance for Wolman disease. Last evaluated: 2021-08-24. Review status: criteria provided, single submitter. Criteria: Invitae Variant Classification Sherloc (09022015). Collection method: clinical testing. Allele origin: germline.
Comment: This sequence change replaces arginine with glycine at codon 121 of the LIPA protein (p.Arg121Gly). The arginine residue is highly conserved and there is a moderate physicochemical difference between arginine and glycine. This variant is not present in population databases (ExAC no frequency). This variant has not been reported in the literature in individuals affected with LIPA-related conditions. ClinVar contains an entry for this variant (Variation ID: 695059). Algorithms developed to predict the effect of missense changes on protein structure and function (SIFT, PolyPhen-2, Align-GVGD) all suggest that this variant is likely to be disruptive. Experimental studies have shown that this missense change affects LIPA function (PMID: 31180157). In summary, the available evidence is currently insufficient to determine the role of this variant in disease. Therefore, it has been classified as a Variant of Uncertain Significance.

Alexion, Astrazeneca Rare Disease, Astrazeneca
Classification: Likely pathogenic for Lysosomal acid lipase deficiency. Last evaluated: 2019-06-01. Review status: criteria provided, single submitter. Criteria: ACMG Guidelines, 2015. Collection method: research. Allele origin: germline. Affected: yes.
Comment: ACMG PS3 criterion ascertained by in-vitro functional study, PMID:31180157

Literature cited by the submitters: PubMed 31180157 (cited by Labcorp Genetics (formerly Invitae), Labcorp and Alexion, Astrazeneca Rare Disease, Astrazeneca); PubMed 24792990 (cited by Alexion, Astrazeneca Rare Disease, Astrazeneca).

NM_000235.4(LIPA):c.361A>G (p.Arg121Gly)

Gene: LIPA (lipase A, lysosomal acid type; minus strand). Cytogenetic location: 10q23.31.
Variant type: single nucleotide variant.
Coding change: c.361A>G on transcript NM_000235.4 (MANE Select); coding-DNA position 361, A replaced by G.
Protein change: p.Arg121Gly; replaces arginine 121 with glycine.
Molecular consequence: missense variant.
Genome position (GRCh38, 1-based): chr10:89,228,267, T>C on the plus strand (A>G on the coding strand, the complement: LIPA is on the minus strand). VCF-style: chr10-89228267-T-C. GRCh37 (hg19) VCF-style: chr10-90988024-T-C.
Other names: c.361A>G, p.Arg121Gly (NM_001127605.3); c.13A>G, p.Arg5Gly (NM_001288979.2); short protein forms R121G, R5G.
Identifiers: ClinVar variation 695059 (VCV000695059.7), dbSNP rs912441212, ClinGen allele CA211369827.